The following is an entry in ClinVar:

NM_001375808.2(LPIN2):c.1299C>T (p.Pro433=)

Gene: LPIN2 (lipin 2; minus strand). Cytogenetic location: 18p11.31.
Variant type: single nucleotide variant.
Coding change: c.1299C>T on transcript NM_001375808.2 (MANE Select); coding-DNA position 1299, C replaced by T.
Protein change: p.Pro433=; no amino-acid change (proline 433 retained).
Molecular consequence: synonymous variant.
Genome position (GRCh38, 1-based): chr18:2,931,413, G>A on the plus strand (C>T on the coding strand, the complement: LPIN2 is on the minus strand). VCF-style: chr18-2931413-G-A. GRCh37 (hg19) VCF-style: chr18-2931411-G-A.
Other names: c.1299C>T, p.Pro433= (NM_001375809.1, NM_014646.2).
Identifiers: ClinVar variation 513580 (VCV000513580.6), dbSNP rs781673368, ClinGen allele CA8873137.
Genomic context (GRCh38, chr18:2,931,413, plus strand): 5'-ATCTGCAGCTGCGCTTCCCACGGACTGTGGGGACTGGGAGCCAGAGAGTGTGTCAGACTC[G>A]GGCCACTGCCTGGAACCGGGCTCCGATTCACTGTGGACAGGGGATGGGGAAAAGATGTGC-3'
Protein context (NP_001362737.1, residues 423-443): SESEPGSRQW[Pro433=]ESDTLSGSQS

ClinVar aggregate classification (germline): Likely benign. Review status: criteria provided, multiple submitters, no conflicts (2 of 4 stars). 2 submissions from 2 submitters: Likely benign (2). Last evaluated 2026-01-31.

Conditions:
Majeed syndrome (MJDS). Also called: CHRONIC RECURRENT MULTIFOCAL OSTEOMYELITIS 1, WITH CONGENITAL DYSERYTHROPOIETIC ANEMIA, WITH OR WITHOUT NEUTROPHILIC DERMATOSIS; LPIN2-Related Majeed Syndrome. Identifiers: Orphanet 77297, MedGen C1864997, MONDO:0012316, OMIM 609628.

Allele frequency attached by ClinVar (database versions not stated): gnomAD 0.00001; ExAC 0.00009.
gnomAD v4.1: 24 of 1,602,818 alleles (0.0015%); highest among the groups gnomAD compares: African/African-American, 0.008%; no homozygotes.

Submissions (2):

Labcorp Genetics (formerly Invitae), Labcorp
Classification: Likely benign for Majeed syndrome. Last evaluated: 2026-01-31. Review status: criteria provided, single submitter. Criteria: Invitae Variant Classification Sherloc (09022015). Collection method: clinical testing. Allele origin: germline.

GeneDx
Classification: Likely benign. Last evaluated: 2017-11-20. Review status: criteria provided, single submitter. Criteria: GeneDx Variant Classification (06012015). Collection method: clinical testing. Allele origin: germline. Affected: yes.
Comment: This variant is considered likely benign or benign based on one or more of the following criteria: it is a conservative change, it occurs at a poorly conserved position in the protein, it is predicted to be benign by multiple in silico algorithms, and/or has population frequency not consistent with disease.